The following is an entry in ClinVar:

NM_004370.6(COL12A1):c.9048C>T (p.Ser3016=)

Gene: COL12A1 (collagen type XII alpha 1 chain; minus strand). Cytogenetic location: 6q13.
Variant type: single nucleotide variant.
Coding change: c.9048C>T on transcript NM_004370.6 (MANE Select); coding-DNA position 9048, C replaced by T.
Protein change: p.Ser3016=; no amino-acid change (serine 3016 retained).
Molecular consequence: synonymous variant.
Genome position (GRCh38, 1-based): chr6:75,087,710, G>A on the plus strand (C>T on the coding strand, the complement: COL12A1 is on the minus strand). VCF-style: chr6-75087710-G-A. GRCh37 (hg19) VCF-style: chr6-75797426-G-A.
Other names: p.Ser3016=; c.5556C>T, p.Ser1852= (NM_080645.3).
Identifiers: ClinVar variation 739813 (VCV000739813.9), dbSNP rs374037516, ClinGen allele CA3892031.

ClinVar aggregate classification (germline): Likely benign. Review status: criteria provided, multiple submitters, no conflicts (2 of 4 stars). 2 submissions from 2 submitters: Likely benign (2). Last evaluated 2025-12-06.

Conditions:
Bethlem myopathy 2 (BTHLM2). Identifiers: Orphanet 536516, Orphanet 610, MedGen C4225313, MONDO:0034022, OMIM 616471.
Ullrich congenital muscular dystrophy 2 (UCMD2). Identifiers: Orphanet 75840, MedGen C4225314, MONDO:0014654, OMIM 616470.

Allele frequency attached by ClinVar (database versions not stated): ExAC 0.00002; gnomAD 0.00002 and 0.00003; gnomAD exomes 0.00002 and 0.00003; ESP Exome Variant Server 0.00008.
gnomAD v4.1: 35 of 1,606,154 alleles (0.0022%); highest among the groups gnomAD compares: African/African-American, 0.004%; no homozygotes.

Submissions (2):

Labcorp Genetics (formerly Invitae), Labcorp
Classification: Likely benign for Bethlem myopathy 2; Ullrich congenital muscular dystrophy 2. Last evaluated: 2025-12-06. Review status: criteria provided, single submitter. Criteria: Invitae Variant Classification Sherloc (09022015). Collection method: clinical testing. Allele origin: germline.

Mayo Clinic Laboratories, Mayo Clinic
Classification: Likely benign. Last evaluated: 2025-09-24. Review status: criteria provided, single submitter. Criteria: ACMG Guidelines, 2015. Collection method: clinical testing. Allele origin: germline. Observed: 1 variant allele.
Comment: BP4, BP7